The following is an entry in ClinVar:

NM_015650.4(TRAF3IP1):c.1735G>A (p.Val579Ile)

Gene: TRAF3IP1 (TRAF3 interacting protein 1; plus strand). Cytogenetic location: 2q37.3.
Variant type: single nucleotide variant.
Coding change: c.1735G>A on transcript NM_015650.4 (MANE Select); coding-DNA position 1735, G replaced by A.
Protein change: p.Val579Ile; replaces valine 579 with isoleucine.
Molecular consequence: missense variant.
Genome position (GRCh38, 1-based): chr2:238,397,504, G>A. VCF-style: chr2-238397504-G-A. GRCh37 (hg19) VCF-style: chr2-239306145-G-A.
Other names: c.1537G>A, p.Val513Ile (NM_001139490.1); short protein forms V579I, V513I.
Identifiers: ClinVar variation 1947316 (VCV001947316.5), dbSNP rs780746076, ClinGen allele CA2198561.

ClinVar aggregate classification (germline): Uncertain significance. Review status: criteria provided, multiple submitters, no conflicts (2 of 4 stars). 2 submissions from 2 submitters: Uncertain significance (2). Last evaluated 2023-12-11.

Conditions:
Inborn genetic diseases. Identifiers: MedGen C0950123, MeSH D030342.

Allele frequency attached by ClinVar (database versions not stated): TOPMed below 0.00001; gnomAD 0.00002; gnomAD exomes 0.00003; ExAC 0.00004.
gnomAD v4.1: 52 of 1,612,964 alleles (0.0032%); highest among the groups gnomAD compares: Non-Finnish European, 0.0044%; no homozygotes.

Submissions (2):

Labcorp Genetics (formerly Invitae), Labcorp
Classification: Uncertain significance. Last evaluated: 2023-12-11. Review status: criteria provided, single submitter. Criteria: Invitae Variant Classification Sherloc (09022015). Collection method: clinical testing. Allele origin: germline.
Comment: This sequence change replaces valine, which is neutral and non-polar, with isoleucine, which is neutral and non-polar, at codon 579 of the TRAF3IP1 protein (p.Val579Ile). This variant is present in population databases (rs780746076, gnomAD 0.006%). This variant has not been reported in the literature in individuals affected with TRAF3IP1-related conditions. ClinVar contains an entry for this variant (Variation ID: 1947316). Advanced modeling of protein sequence and biophysical properties (such as structural, functional, and spatial information, amino acid conservation, physicochemical variation, residue mobility, and thermodynamic stability) performed at Invitae indicates that this missense variant is expected to disrupt TRAF3IP1 protein function with a positive predictive value of 80%. In summary, the available evidence is currently insufficient to determine the role of this variant in disease. Therefore, it has been classified as a Variant of Uncertain Significance.

Ambry Genetics
Classification: Uncertain significance for Inborn genetic diseases. Last evaluated: 2021-08-23. Review status: criteria provided, single submitter. Criteria: Ambry Variant Classification Scheme 2023. Collection method: clinical testing. Allele origin: germline.